The following is an entry in ClinVar:

NM_000137.4(FAH):c.747A>G (p.Pro249=)

Gene: FAH (fumarylacetoacetate hydrolase; plus strand). Cytogenetic location: 15q25.1.
Variant type: single nucleotide variant.
Coding change: c.747A>G on transcript NM_000137.4 (MANE Select); coding-DNA position 747, A replaced by G.
Protein change: p.Pro249=; no amino-acid change (proline 249 retained).
Molecular consequence: synonymous variant.
Genome position (GRCh38, 1-based): chr15:80,173,054, A>G. VCF-style: chr15-80173054-A-G. GRCh37 (hg19) VCF-style: chr15-80465396-A-G.
Other names: c.747A>G, p.Pro249= (NM_001374377.1, NM_001374380.1).
Identifiers: ClinVar variation 317213 (VCV000317213.23), dbSNP rs138757552, ClinGen allele CA7691331.

ClinVar aggregate classification (germline): Conflicting classifications of pathogenicity. Review status: criteria provided, conflicting classifications (1 of 4 stars). 5 submissions from 5 submitters: Uncertain significance (2); Likely benign (1). 2 of the submissions do not count toward it. Last evaluated 2026-01-19.

Conditions:
FAH-related disorder. Also called: FAH-related condition.
Tyrosinemia type I (TYRSN1). Also called: Tyrosinemia type 1; Fumarylacetoacetase deficiency; Deficiency of fumarylacetoacetase; FAH DEFICIENCY; HEPATORENAL TYROSINEMIA. Identifiers: Orphanet 882, MedGen C0268490, MONDO:0010161, OMIM 276700. Disease mechanism: loss of function.

Allele frequency attached by ClinVar (database versions not stated): gnomAD exomes 0.00001; TOPMed 0.00006; gnomAD 0.00022; ESP Exome Variant Server 0.00046; 1000 Genomes Project 0.00080; 1000 Genomes Project 30x 0.00125.
gnomAD v4.1: 53 of 1,614,228 alleles (0.0033%); highest among the groups gnomAD compares: African/African-American, 0.063%; no homozygotes.

Submissions (5):

Labcorp Genetics (formerly Invitae), Labcorp
Classification: Likely benign for Tyrosinemia type I. Last evaluated: 2026-01-19. Review status: criteria provided, single submitter. Criteria: Invitae Variant Classification Sherloc (09022015). Collection method: clinical testing. Allele origin: germline.

Illumina Laboratory Services, Illumina
Classification: Uncertain significance for Tyrosinemia type I. Last evaluated: 2018-01-13. Review status: criteria provided, single submitter. Criteria: ICSL Variant Classification Criteria 13 December 2019. Collection method: clinical testing. Allele origin: germline.

Eurofins Ntd Llc (ga)
Classification: Uncertain significance. Last evaluated: 2016-11-23. Review status: criteria provided, single submitter. Criteria: EGL Classification Definitions 2015. Collection method: clinical testing. Allele origin: germline. Observed: 1 variant allele, 1 heterozygote.

PreventionGenetics, part of Exact Sciences
Classification: Likely benign for FAH-related condition. Last evaluated: 2021-09-17. Review status: no assertion criteria provided. Collection method: clinical testing. Allele origin: germline. Not counted in ClinVar's aggregate classification.
Comment: This variant is classified as likely benign based on ACMG/AMP sequence variant interpretation guidelines (Richards et al. 2015 PMID: 25741868, with internal and published modifications).

Natera, Inc.
Classification: Likely benign for Tyrosinemia type I. Last evaluated: 2020-09-16. Review status: no assertion criteria provided. Collection method: clinical testing. Allele origin: germline. Not counted in ClinVar's aggregate classification.